The following is an entry in ClinVar:

ClinVar aggregate classification (germline): Uncertain significance (1 of 4 stars; one submission).

Allele frequency attached by ClinVar (database versions not stated): gnomAD exomes below 0.00001; TOPMed 0.00001.
gnomAD v4.1: 8 of 1,614,000 alleles (0.0005%); highest among the groups gnomAD compares: South Asian, 0.0044%; no homozygotes.

Submission:

Labcorp Genetics (formerly Invitae), Labcorp
Classification: Uncertain significance. Last evaluated: 2024-11-06. Review status: criteria provided, single submitter. Criteria: Invitae Variant Classification Sherloc (09022015). Collection method: clinical testing. Allele origin: germline.
Comment: This sequence change replaces arginine, which is basic and polar, with glutamine, which is neutral and polar, at codon 48 of the SPINT2 protein (p.Arg48Gln). This variant is present in population databases (no rsID available, gnomAD 0.003%). This variant has not been reported in the literature in individuals affected with SPINT2-related conditions. ClinVar contains an entry for this variant (Variation ID: 2870264). Invitae Evidence Modeling of protein sequence and biophysical properties (such as structural, functional, and spatial information, amino acid conservation, physicochemical variation, residue mobility, and thermodynamic stability) indicates that this missense variant is expected to disrupt SPINT2 protein function with a positive predictive value of 80%. In summary, the available evidence is currently insufficient to determine the role of this variant in disease. Therefore, it has been classified as a Variant of Uncertain Significance.

NM_021102.4(SPINT2):c.143G>A (p.Arg48Gln)

Gene: SPINT2 (serine peptidase inhibitor, Kunitz type 2; plus strand). Cytogenetic location: 19q13.2.
Variant type: single nucleotide variant.
Coding change: c.143G>A on transcript NM_021102.4 (MANE Select); coding-DNA position 143, G replaced by A.
Protein change: p.Arg48Gln; replaces arginine 48 with glutamine.
Molecular consequence: missense variant. On other transcripts: intron variant (1).
Genome position (GRCh38, 1-based): chr19:38,283,663, G>A. VCF-style: chr19-38283663-G-A. GRCh37 (hg19) VCF-style: chr19-38774303-G-A.
Other names: c.107-4213G>A (NM_001166103.2); short protein forms R48Q.
Identifiers: ClinVar variation 2870264 (VCV002870264.3), dbSNP rs1409082421, ClinGen allele CA405628894.